The following is an entry in ClinVar:

ClinVar aggregate classification (germline): Uncertain significance (1 of 4 stars; one submission).

gnomAD v4.1: 2 of 1,613,832 alleles (0.00012%); highest among the groups gnomAD compares: Non-Finnish European, 0.00017%; no homozygotes.

Submission:

Dasa
Classification: Uncertain significance. Last evaluated: 2026-04-09. Review status: criteria provided, single submitter. Criteria: DASA Assertion Criteria. Collection method: clinical testing. Allele origin: germline.
Comment: NM_032271.3(TRAF7):c.1363G>A (p.Gly455Ser) is a missense variant that results in the substitution of glycine with serine. This variant is rare in population databases. The currently available literature and clinical evidence are not sufficient to establish a definitive association between this variant and the reported condition. Therefore, this variant is classified as a variant of uncertain significance.

NM_032271.3(TRAF7):c.1363G>A (p.Gly455Ser)

Gene: TRAF7 (TNF receptor associated factor 7; plus strand). Cytogenetic location: 16p13.3.
Variant type: single nucleotide variant.
Coding change: c.1363G>A on transcript NM_032271.3 (MANE Select); coding-DNA position 1363, G replaced by A.
Protein change: p.Gly455Ser; replaces glycine 455 with serine.
Molecular consequence: missense variant.
Genome position (GRCh38, 1-based): chr16:2,175,127, G>A. VCF-style: chr16-2175127-G-A. GRCh37 (hg19) VCF-style: chr16-2225128-G-A.
Other names: short protein forms G455S.
Identifiers: ClinVar variation 4883197 (VCV004883197.2).